The following is an entry in ClinVar:

NM_144997.7(FLCN):c.275A>T (p.His92Leu)

Gene: FLCN (folliculin; minus strand). Cytogenetic location: 17p11.2.
Variant type: single nucleotide variant.
Coding change: c.275A>T on transcript NM_144997.7 (MANE Select); coding-DNA position 275, A replaced by T.
Protein change: p.His92Leu; replaces histidine 92 with leucine.
Molecular consequence: missense variant.
Genome position (GRCh38, 1-based): chr17:17,226,297, T>A on the plus strand (A>T on the coding strand, the complement: FLCN is on the minus strand). VCF-style: chr17-17226297-T-A. GRCh37 (hg19) VCF-style: chr17-17129611-T-A.
Other names: c.275A>T, p.His92Leu (NM_001353229.2, NM_001353230.2, NM_001353231.2 and 1 more transcripts); short protein forms H92L.
Identifiers: ClinVar variation 3515646 (VCV003515646.2).

ClinVar aggregate classification (germline): Uncertain significance. Review status: criteria provided, multiple submitters, no conflicts (2 of 4 stars). 2 submissions from 2 submitters: Uncertain significance (2). Last evaluated 2025-12-29.

Conditions:
Hereditary cancer-predisposing syndrome. Also called: Tumor predisposition; Neoplastic Syndromes, Hereditary; Hereditary Cancer Syndrome; Hereditary neoplastic syndrome. Identifiers: Orphanet 140162, MedGen C0027672, MeSH D009386, MONDO:0015356.

Submissions (2):

Center for Genomic Medicine, Rigshospitalet, Copenhagen University Hospital
Classification: Uncertain significance. Last evaluated: 2025-12-29. Review status: criteria provided, single submitter. Criteria: ACMG Guidelines, 2015. Collection method: clinical testing. Allele origin: germline.

Ambry Genetics
Classification: Uncertain significance for Hereditary cancer-predisposing syndrome. Last evaluated: 2024-09-05. Review status: criteria provided, single submitter. Criteria: Ambry Variant Classification Scheme 2023. Collection method: clinical testing. Allele origin: germline.
Comment: The p.H92L variant (also known as c.275A>T), located in coding exon 2 of the FLCN gene, results from an A to T substitution at nucleotide position 275. The histidine at codon 92 is replaced by leucine, an amino acid with similar properties. This amino acid position is conserved. In addition, this alteration is predicted to be deleterious by in silico analysis. Based on the available evidence, the clinical significance of this variant remains unclear.